The following is an entry in ClinVar:

NM_001527.4(HDAC2):c.1318_1321del (p.Lys440fs)

Gene: HDAC2 (histone deacetylase 2; minus strand). Cytogenetic location: 6q21.
Variant type: Deletion.
Coding change: c.1318_1321del on transcript NM_001527.4 (MANE Select); coding-DNA positions 1318 to 1321, 4 bases deleted (AAAG; older notation c.1318_1321delAAAG).
Protein change: p.Lys440fs; shifts the reading frame from lysine 440.
Molecular consequence: frameshift variant. On other transcripts: non-coding transcript variant (2).
Genome position (GRCh38, 1-based): chr6:113,943,408-113,943,411, CTTT deleted on the plus strand (AAAG on the coding strand, the reverse complement: HDAC2 is on the minus strand); deleting any 4 consecutive bases within chr6:113,943,408-113,943,414 gives the same sequence; the c. name uses the placement nearest the transcript's 3' end. VCF-style (leftmost placement, unchanged base first): chr6-113943407-CCTTT-C. GRCh37 (hg19) VCF-style: chr6-114264571-CCTTT-C.
Other names: short protein forms K440fs.
Identifiers: ClinVar variation 3346309 (VCV003346309.1).

ClinVar aggregate classification (germline): Uncertain significance (0 of 4 stars; one submission).

Conditions:
HDAC2-related disorder. Also called: HDAC2-related condition.

Submission:

PreventionGenetics, part of Exact Sciences
Classification: Uncertain significance for HDAC2-related condition. Last evaluated: 2024-05-25. Review status: no assertion criteria provided. Collection method: clinical testing. Allele origin: germline.
Comment: The HDAC2 c.1318_1321delAAAG variant is predicted to result in a frameshift and premature protein termination (p.Lys440Glufs*65). To our knowledge, this variant has not been reported in the literature or in a large population database, indicating this variant is rare. Loss of function is not a conclusively established mechanism for HDAC2-related disease and only a few protein truncating variants have been reported to date (Kaplanis et al. 2020. PubMed ID: 33057194; Human Gene Mutation Database). At this time, the clinical significance of this variant is uncertain due to the absence of conclusive functional and genetic evidence.